The following is an entry in ClinVar:

NM_000235.4(LIPA):c.881T>C (p.Leu294Ser)

Gene: LIPA (lipase A, lysosomal acid type; minus strand). Cytogenetic location: 10q23.31.
Variant type: single nucleotide variant.
Coding change: c.881T>C on transcript NM_000235.4 (MANE Select); coding-DNA position 881, T replaced by C.
Protein change: p.Leu294Ser; replaces leucine 294 with serine.
Molecular consequence: missense variant.
Genome position (GRCh38, 1-based): chr10:89,222,524, A>G on the plus strand (T>C on the coding strand, the complement: LIPA is on the minus strand). VCF-style: chr10-89222524-A-G. GRCh37 (hg19) VCF-style: chr10-90982281-A-G.
Other names: c.881T>C, p.Leu294Ser (NM_001127605.3); c.533T>C, p.Leu178Ser (NM_001288979.2); short protein forms L178S, L294S.
Identifiers: ClinVar variation 695046 (VCV000695046.7), dbSNP rs756310979, ClinGen allele CA5593584.

ClinVar aggregate classification (germline): Likely pathogenic. Review status: criteria provided, multiple submitters, no conflicts (2 of 4 stars). 4 submissions from 4 submitters: Likely pathogenic (4). Last evaluated 2025-12-09.

Conditions:
Cholesteryl ester storage disease (CESD). Also called: Childhood/Adult-Onset LAL-D (Cholesterol Ester Storage Disease [CESD]). Identifiers: Orphanet 75234, MedGen C0008384, MONDO:0019149, OMIM 278000.
Wolman disease (WOLD). Also called: LAL DEFICIENCY, COMPLETE; CHOLESTEROL ESTER HYDROLASE DEFICIENCY, COMPLETE; Wolman disease with hypolipoproteinemia and acanthocytosis; Wolman disease, CESD; Infantile-Onset LAL-D (Wolman Disease); LYSOSOMAL ACID LIPASE DEFICIENCY, ACUTE INFANTILE. Identifiers: Orphanet 75233, MedGen C0043208, MONDO:0019148, OMIM 620151.
Lysosomal acid lipase deficiency. Also called: Acid cholesteryl ester hydrolase deficiency, type 2. Identifiers: Orphanet 275761, MedGen C5574740, MONDO:0800449, MONDO:0010204.

Allele frequency attached by ClinVar (database versions not stated): gnomAD exomes below 0.00001; ExAC 0.00001.
gnomAD v4.1: 2 of 1,609,270 alleles (0.00012%); highest among the groups gnomAD compares: Non-Finnish European, 0.00017%; no homozygotes.

Submissions (4):

Myriad Genetics, Inc.
Classification: Likely pathogenic for Lysosomal acid lipase deficiency. Last evaluated: 2025-12-09. Review status: criteria provided, single submitter. Criteria: Myriad Autosomal Dominant, Autosomal Recessive and X-Linked Classification Criteria (2023). Collection method: clinical testing. Allele origin: unknown.
Comment: NM_000235.2(LIPA):c.881T>C(L294S) is a missense variant classified as likely pathogenic in the context of lysosomal acid lipase deficiency. L294S has been observed in cases with relevant disease (PMID: 28881270, 8894696). Relevant functional assessments of this variant are available in the literature (PMID: 29196158, 31180157, 9684740, 8894696). L294S has been observed in referenced population frequency databases. In summary, NM_000235.2(LIPA):c.881T>C(L294S) is a missense variant that has functional support for pathogenicity and has been observed more frequently in cases with the relevant disease than in healthy populations. Please note: this variant was assessed in the context of healthy population screening.

Women's Health and Genetics/Laboratory Corporation of America, LabCorp
Classification: Likely pathogenic for Cholesteryl ester storage disease. Last evaluated: 2025-09-04. Review status: criteria provided, single submitter. Criteria: LabCorp Variant Classification Summary - May 2015. Collection method: clinical testing. Allele origin: germline.
Comment: Variant summary: LIPA c.881T>C (p.Leu294Ser) results in a non-conservative amino acid change in the encoded protein sequence. Algorithms developed to predict the effect of missense changes on protein structure and function all suggest that this variant is likely to be disruptive. The variant allele was found at a frequency of 4e-06 in 251260 control chromosomes (gnomAD). c.881T>C has been observed in individuals affected with Cholesteryl ester storage disease (e.g., Pagani_1996, Pisciotta_2017). These data indicate that the variant may be associated with disease. At least one publication reports experimental evidence evaluating an impact on protein function. The most pronounced variant effect results in <10% of normal activity (e.g., Pagani_1998). The following publications have been ascertained in the context of this evaluation (PMID: 8894696, 9684740, 28881270). ClinVar contains an entry for this variant (Variation ID: 695046). Based on the evidence outlined above, the variant was classified as likely pathogenic.

Labcorp Genetics (formerly Invitae), Labcorp
Classification: Likely pathogenic for Wolman disease. Last evaluated: 2023-03-18. Review status: criteria provided, single submitter. Criteria: Invitae Variant Classification Sherloc (09022015). Collection method: clinical testing. Allele origin: germline.
Comment: In summary, the currently available evidence indicates that the variant is pathogenic, but additional data are needed to prove that conclusively. Therefore, this variant has been classified as Likely Pathogenic. ClinVar contains an entry for this variant (Variation ID: 695046). Advanced modeling of protein sequence and biophysical properties (such as structural, functional, and spatial information, amino acid conservation, physicochemical variation, residue mobility, and thermodynamic stability) performed at Invitae indicates that this missense variant is not expected to disrupt LIPA protein function. Experimental studies have shown that this missense change affects LIPA function (PMID: 8894696, 29196158, 31131398, 31180157). This sequence change replaces leucine, which is neutral and non-polar, with serine, which is neutral and polar, at codon 294 of the LIPA protein (p.Leu294Ser). This variant is present in population databases (rs756310979, gnomAD 0.0009%). This missense change has been observed in individual(s) with cholesteryl ester storage disease (PMID: 8894696, 28881270). In at least one individual the data is consistent with being in trans (on the opposite chromosome) from a pathogenic variant. This variant is also known as L273S.

Alexion, Astrazeneca Rare Disease, Astrazeneca
Classification: Likely pathogenic for Lysosomal acid lipase deficiency. Last evaluated: 2019-06-01. Review status: criteria provided, single submitter. Criteria: ACMG Guidelines, 2015. Collection method: research. Allele origin: germline. Affected: yes.
Comment: ACMG PS3 criterion ascertained by in-vitro functional study, PMID:31180157

Literature cited by the submitters: PubMed 28881270 (cited by 3 submitters); PubMed 29196158 (cited by Myriad Genetics, Inc. and Labcorp Genetics (formerly Invitae), Labcorp); PubMed 31180157 (cited by 3 submitters); PubMed 8894696 (cited by 3 submitters); PubMed 9684740 (cited by Myriad Genetics, Inc. and Women's Health and Genetics/Laboratory Corporation of America, LabCorp); PubMed 31131398 (cited by Labcorp Genetics (formerly Invitae), Labcorp); PubMed 24792990 (cited by Alexion, Astrazeneca Rare Disease, Astrazeneca).